The following is an entry in ClinVar:

NM_000829.4(GRIA4):c.104G>A (p.Arg35Gln)

Gene: GRIA4 (glutamate ionotropic receptor AMPA type subunit 4; plus strand). Cytogenetic location: 11q22.3.
Variant type: single nucleotide variant.
Coding change: c.104G>A on transcript NM_000829.4 (MANE Select); coding-DNA position 104, G replaced by A.
Protein change: p.Arg35Gln; replaces arginine 35 with glutamine.
Molecular consequence: missense variant. On other transcripts: non-coding transcript variant (1).
Genome position (GRCh38, 1-based): chr11:105,612,291, G>A. VCF-style: chr11-105612291-G-A. GRCh37 (hg19) VCF-style: chr11-105483018-G-A.
Other names: c.104G>A, p.Arg35Gln (NM_001077243.3, NM_001077244.2, NM_001112812.2); short protein forms R35Q.
Identifiers: ClinVar variation 1297477 (VCV001297477.3), dbSNP rs762714307, ClinGen allele CA6258307.

ClinVar aggregate classification (germline): Uncertain significance. Review status: criteria provided, multiple submitters, no conflicts (2 of 4 stars). 2 submissions from 2 submitters: Uncertain significance (2). Last evaluated 2023-01-18.

Conditions:
Neurodevelopmental disorder with or without seizures and gait abnormalities. Identifiers: MedGen C4693391, MONDO:0060641, OMIM 617864.

Allele frequency attached by ClinVar (database versions not stated): gnomAD exomes below 0.00001 and 0.00003; ExAC 0.00002.
gnomAD v4.1: 6 of 1,614,046 alleles (0.00037%); highest among the groups gnomAD compares: Non-Finnish European, 0.00051%; no homozygotes.

Submissions (2):

Centre of Medical Genetics, University Hospital Muenster
Classification: Uncertain significance. Last evaluated: 2023-01-18. Review status: criteria provided, single submitter. Criteria: ACMG Guidelines, 2015. Collection method: clinical testing. Allele origin: unknown. Affected: yes. Observed: 1 variant allele, 1 heterozygote.
Comment: ACMG categories: PM1,PM2,PP2

Breda Genetics srl
Classification: Uncertain significance for Neurodevelopmental disorder with or without seizures and gait abnormalities. Last evaluated: 2021-04-12. Review status: criteria provided, single submitter. Criteria: ACMG Guidelines, 2015. Collection method: clinical testing. Allele origin: germline. Inheritance: Autosomal dominant inheritance. Affected: yes. Observed: 1 variant allele, 1 heterozygote.
Comment: Based on allele frequency, in-silico prediction scores and a certain overlap with the clinical phenotype, we interpreted this variant at least as of uncertain significance. The lack of one or more of the following features has discouraged further investigations: lack of a possible second hit in autosomal recessive conditions, presence of healthy controls in databases for autosomal dominant conditions, presence of unmatching cardinal clinical features in the patient or in the known gene-disease association, and/or variant type outside the known gene mutational spectrum.